The following is an entry in ClinVar:

ClinVar aggregate classification (germline): Uncertain significance (1 of 4 stars; one submission).

Allele frequency attached by ClinVar (database versions not stated): TOPMed below 0.00001; ExAC 0.00003; gnomAD exomes 0.00003.
gnomAD v4.1: 41 of 1,613,780 alleles (0.0025%); highest among the groups gnomAD compares: South Asian, 0.026%; 1 homozygote.

Submission:

Labcorp Genetics (formerly Invitae), Labcorp
Classification: Uncertain significance. Last evaluated: 2022-08-21. Review status: criteria provided, single submitter. Criteria: Invitae Variant Classification Sherloc (09022015). Collection method: clinical testing. Allele origin: germline.
Comment: This sequence change replaces glutamic acid, which is acidic and polar, with lysine, which is basic and polar, at codon 738 of the CTDP1 protein (p.Glu738Lys). This variant is present in population databases (rs755260077, gnomAD 0.03%), including at least one homozygous and/or hemizygous individual. This variant has not been reported in the literature in individuals affected with CTDP1-related conditions. Algorithms developed to predict the effect of missense changes on protein structure and function are either unavailable or do not agree on the potential impact of this missense change (SIFT: "Tolerated"; PolyPhen-2: "Possibly Damaging"; Align-GVGD: "Class C0"). In summary, the available evidence is currently insufficient to determine the role of this variant in disease. Therefore, it has been classified as a Variant of Uncertain Significance.

NM_004715.5(CTDP1):c.2212G>A (p.Glu738Lys)

Gene: CTDP1 (CTD phosphatase subunit 1; plus strand). Cytogenetic location: 18q23.
Variant type: single nucleotide variant.
Coding change: c.2212G>A on transcript NM_004715.5 (MANE Select); coding-DNA position 2212, G replaced by A.
Protein change: p.Glu738Lys; replaces glutamic acid 738 with lysine.
Molecular consequence: missense variant.
Genome position (GRCh38, 1-based): chr18:79,717,811, G>A. VCF-style: chr18-79717811-G-A. GRCh37 (hg19) VCF-style: chr18-77477811-G-A.
Other names: c.1855G>A, p.Glu619Lys (NM_001202504.1); c.2212G>A, p.Glu738Lys (NM_001318511.2, NM_048368.4); short protein forms E619K, E738K.
Identifiers: ClinVar variation 1976499 (VCV001976499.5), dbSNP rs755260077, ClinGen allele CA9010519.